The following is an entry in ClinVar:

NM_021954.4(GJA3):c.562A>T (p.Asn188Tyr)

Gene: GJA3 (gap junction protein alpha 3; minus strand). Cytogenetic location: 13q12.11.
Variant type: single nucleotide variant.
Coding change: c.562A>T on transcript NM_021954.4 (MANE Select); coding-DNA position 562, A replaced by T.
Protein change: p.Asn188Tyr; replaces asparagine 188 with tyrosine.
Molecular consequence: missense variant.
Genome position (GRCh38, 1-based): chr13:20,142,727, T>A on the plus strand (A>T on the coding strand, the complement: GJA3 is on the minus strand). VCF-style: chr13-20142727-T-A. GRCh37 (hg19) VCF-style: chr13-20716866-T-A.
Other names: short protein forms N188Y.
Identifiers: ClinVar variation 3349063 (VCV003349063.1).
Genomic context (GRCh38, chr13:20,142,727, plus strand): 5'-GCATGAAGATGATGAAGATGGTCTTCTCCGTGGGCCTGGAGATGAAGCAGTCCACCGTGT[T>A]GGGGCAGGGCCAGCGGTCGCAGCGGTAGAGCGGCTTCAGCTCGAAGCCGTACAGAAAGTA-3'
Protein context (NP_068773.2, residues 178-198): LYRCDRWPCP[Asn188Tyr]TVDCFISRPT

ClinVar aggregate classification (germline): Uncertain significance (0 of 4 stars; one submission).

Conditions:
GJA3-related disorder. Also called: GJA3-related condition.

Submission:

PreventionGenetics, part of Exact Sciences
Classification: Uncertain significance for GJA3-related condition. Last evaluated: 2024-03-25. Review status: no assertion criteria provided. Collection method: clinical testing. Allele origin: germline.
Comment: The GJA3 c.562A>T variant is predicted to result in the amino acid substitution p.Asn188Tyr. To our knowledge, this variant has not been reported in the literature or in a large population database, indicating this variant is rare. Of note, other variants impacting the same amino acid (p.Asn188Thr, p.Asn188Ser, p.Asn188Ile) have been reported in patients with cataracts (Li et al. 2004. PubMed ID: 15448617; Hassan et al. 2021. PubMed ID: 35008666; Zhang et al. 2012. PubMed ID: 22312188). Although we suspect that the c.562A>T (p.Asn188Tyr) variant may be pathogenic, at this time, the clinical significance of this variant is uncertain due to the absence of conclusive functional and genetic evidence.